The following is an entry in ClinVar:

ClinVar aggregate classification (germline): Uncertain significance. Review status: criteria provided, multiple submitters, no conflicts (2 of 4 stars). 2 submissions from 2 submitters: Uncertain significance (2). Last evaluated 2025-05-08.

Conditions:
Hereditary cancer-predisposing syndrome. Also called: Neoplastic Syndromes, Hereditary; Tumor predisposition; Hereditary Cancer Syndrome; Hereditary neoplastic syndrome. Identifiers: Orphanet 140162, MedGen C0027672, MeSH D009386, MONDO:0015356.
DICER1-related tumor predisposition. Also called: DICER1-related pleuropulmonary blastoma cancer predisposition syndrome; DICER1 syndrome. Identifiers: Orphanet 284343, MedGen C3839822, MONDO:0100216.

Allele frequency attached by ClinVar (database versions not stated): gnomAD exomes below 0.00001.
gnomAD v4.1: 1 of 1,613,674 alleles (0.000062%); highest among the groups gnomAD compares: African/African-American, 0.0013%; no homozygotes.

Submissions (2):

Ambry Genetics
Classification: Uncertain significance for Hereditary cancer-predisposing syndrome. Last evaluated: 2025-05-08. Review status: criteria provided, single submitter. Criteria: Ambry Variant Classification Scheme 2023. Collection method: clinical testing. Allele origin: germline.
Comment: The p.N1455D variant (also known as c.4363A>G), located in coding exon 22 of the DICER1 gene, results from an A to G substitution at nucleotide position 4363. The asparagine at codon 1455 is replaced by aspartic acid, an amino acid with highly similar properties. This amino acid position is conserved. In addition, this alteration is predicted to be tolerated by in silico analysis. Based on the available evidence, the clinical significance of this variant remains unclear.

Labcorp Genetics (formerly Invitae), Labcorp
Classification: Uncertain significance for DICER1-related tumor predisposition. Last evaluated: 2018-04-24. Review status: criteria provided, single submitter. Criteria: Invitae Variant Classification Sherloc (09022015). Collection method: clinical testing. Allele origin: germline.
Comment: In summary, the available evidence is currently insufficient to determine the role of this variant in disease. Therefore, it has been classified as a Variant of Uncertain Significance. Algorithms developed to predict the effect of missense changes on protein structure and function (SIFT, PolyPhen-2, Align-GVGD) all suggest that this variant is likely to be tolerated, but these predictions have not been confirmed by published functional studies and their clinical significance is uncertain. This variant has not been reported in the literature in individuals with DICER1-related disease. This variant is not present in population databases (ExAC no frequency). This sequence change replaces asparagine with aspartic acid at codon 1455 of the DICER1 protein (p.Asn1455Asp). The asparagine residue is weakly conserved and there is a small physicochemical difference between asparagine and aspartic acid.

NM_177438.3(DICER1):c.4363A>G (p.Asn1455Asp)

Gene: DICER1 (dicer 1, ribonuclease III; minus strand). Cytogenetic location: 14q32.13.
Variant type: single nucleotide variant.
Coding change: c.4363A>G on transcript NM_177438.3 (MANE Select); coding-DNA position 4363, A replaced by G.
Protein change: p.Asn1455Asp; replaces asparagine 1455 with aspartic acid.
Molecular consequence: missense variant.
Genome position (GRCh38, 1-based): chr14:95,096,557, T>C on the plus strand (A>G on the coding strand, the complement: DICER1 is on the minus strand). VCF-style: chr14-95096557-T-C. GRCh37 (hg19) VCF-style: chr14-95562894-T-C.
Other names: c.4363A>G, p.Asn1455Asp (NM_001195573.1, NM_001271282.3, NM_001291628.2 and 1 more transcripts); short protein forms N1455D.
Identifiers: ClinVar variation 567086 (VCV000567086.11), dbSNP rs1566756435, ClinGen allele CA390869070.